The following is an entry in ClinVar:

ClinVar aggregate classification (germline): Pathogenic (1 of 4 stars; one submission).

Conditions:
Cardiovascular phenotype. Identifiers: MedGen CN230736.

Submission:

Ambry Genetics
Classification: Pathogenic for Cardiovascular phenotype. Last evaluated: 2020-04-14. Review status: criteria provided, single submitter. Criteria: Ambry Variant Classification Scheme 2023. Collection method: clinical testing. Allele origin: germline.
Comment: The c.1205_1208dupAGTT pathogenic mutation, located in coding exon 9 of the ENG gene, results from a duplication of AGTT at nucleotide position 1205, causing a translational frameshift with a predicted alternate stop codon (p.F403Lfs*23). This alteration is expected to result in loss of function by premature protein truncation or nonsense-mediated mRNA decay. As such, this alteration is interpreted as a disease-causing mutation.

NM_001114753.3(ENG):c.1205_1208dup (p.Phe403fs)

Genes: ENG (endoglin; minus strand), LOC102723566 (uncharacterized LOC102723566; plus strand). Cytogenetic location: 9q34.11.
Variant type: Duplication.
Coding change: c.1205_1208dup on transcript NM_001114753.3 (MANE Select); coding-DNA positions 1205 to 1208, 4 bases duplicated (AGTT; older notation c.1205_1208dupAGTT).
Protein change: p.Phe403fs; shifts the reading frame from phenylalanine 403.
Molecular consequence: frameshift variant.
Genome position (GRCh38, 1-based): chr9:127,819,964-127,819,967, AACT duplicated on the plus strand (AGTT on the coding strand, the reverse complement: ENG is on the minus strand). VCF-style (leftmost placement, unchanged base first): chr9-127819963-A-AAACT. GRCh37 (hg19) VCF-style: chr9-130582242-A-AAACT.
Other names: c.1205_1208dup, p.Phe403Leufs (NM_000118.4); c.659_662dup, p.Phe221fs (NM_001278138.2); short protein forms F403fs, F221fs.
Identifiers: ClinVar variation 1748505 (VCV001748505.2), dbSNP rs2539064228, ClinGen allele CA2580079602.